The following is an entry in ClinVar:

NM_004453.4(ETFDH):c.829G>A (p.Glu277Lys)

Gene: ETFDH (electron transfer flavoprotein dehydrogenase; plus strand). Cytogenetic location: 4q32.1.
Variant type: single nucleotide variant.
Coding change: c.829G>A on transcript NM_004453.4 (MANE Select); coding-DNA position 829, G replaced by A.
Protein change: p.Glu277Lys; replaces glutamic acid 277 with lysine.
Molecular consequence: missense variant.
Genome position (GRCh38, 1-based): chr4:158,695,641, G>A. VCF-style: chr4-158695641-G-A. GRCh37 (hg19) VCF-style: chr4-159616793-G-A.
Other names: c.688G>A, p.Glu230Lys (NM_001281737.2); c.646G>A, p.Glu216Lys (NM_001281738.1); short protein forms E277K, E216K, E230K.
Identifiers: ClinVar variation 431846 (VCV000431846.2), dbSNP rs1554032712, ClinGen allele CA358560987.

ClinVar aggregate classification (germline): Uncertain significance (1 of 4 stars; one submission).

Submission:

GeneDx
Classification: Uncertain significance. Last evaluated: 2017-06-02. Review status: criteria provided, single submitter. Criteria: GeneDx Variant Classification (06012015). Collection method: clinical testing. Allele origin: germline. Affected: yes.
Comment: The E277K variant in the ETFDH gene has not been reported previously as a pathogenic variant, nor as a benign variant, to our knowledge. The E277K variant is not observed in large population cohorts (Lek et al., 2016; 1000 Genomes Consortium et al., 2015; Exome Variant Server). The E277K variant is a non-conservative amino acid substitution, which is likely to impact secondary protein structure as these residues differ in polarity, charge, size and/or other properties. This substitution occurs at a position that is conserved across species, and in silico analysis predicts this variant is probably damaging to the protein structure/function. We interpret E277K as a variant of uncertain significance.